The following is an entry in ClinVar:

NM_001134673.4(NFIA):c.830G>T (p.Arg277Leu)

Gene: NFIA (nuclear factor I A; plus strand). Cytogenetic location: 1p31.3.
Variant type: single nucleotide variant.
Coding change: c.830G>T on transcript NM_001134673.4 (MANE Select); coding-DNA position 830, G replaced by T.
Protein change: p.Arg277Leu; replaces arginine 277 with leucine.
Molecular consequence: missense variant.
Genome position (GRCh38, 1-based): chr1:61,359,158, G>T. VCF-style: chr1-61359158-G-T. GRCh37 (hg19) VCF-style: chr1-61824830-G-T.
Other names: c.806G>T, p.Arg269Leu (NM_001145511.2); c.965G>T, p.Arg322Leu (NM_001145512.2); c.830G>T, p.Arg277Leu (NM_005595.5); short protein forms R269L, R277L, R322L.
Identifiers: ClinVar variation 3371210 (VCV003371210.1).

ClinVar aggregate classification (germline): Uncertain significance (1 of 4 stars; one submission).

Submission:

GeneDx
Classification: Uncertain significance. Last evaluated: 2024-03-22. Review status: criteria provided, single submitter. Criteria: GeneDx Variant Classification Process June 2021. Collection method: clinical testing. Allele origin: germline. Affected: yes.
Comment: Not observed at significant frequency in large population cohorts (gnomAD); In silico analysis supports that this missense variant has a deleterious effect on protein structure/function; Has not been previously published as pathogenic or benign to our knowledge